The following is an entry in ClinVar:

NM_015073.3(SIPA1L3):c.542C>T (p.Ala181Val)

Gene: SIPA1L3 (signal induced proliferation associated 1 like 3; plus strand). Cytogenetic location: 19q13.13.
Variant type: single nucleotide variant.
Coding change: c.542C>T on transcript NM_015073.3 (MANE Select); coding-DNA position 542, C replaced by T.
Protein change: p.Ala181Val; replaces alanine 181 with valine.
Molecular consequence: missense variant.
Genome position (GRCh38, 1-based): chr19:38,082,107, C>T. VCF-style: chr19-38082107-C-T. GRCh37 (hg19) VCF-style: chr19-38572747-C-T.
Other names: short protein forms A181V.
Identifiers: ClinVar variation 2068612 (VCV002068612.30), dbSNP rs201601967, ClinGen allele CA9409133.

ClinVar aggregate classification (germline): Conflicting classifications of pathogenicity. Review status: criteria provided, conflicting classifications (1 of 4 stars). 3 submissions from 3 submitters: Uncertain significance (2); Likely benign (1). Last evaluated 2025-09-10.

Allele frequency attached by ClinVar (database versions not stated): ExAC 0.00008; TOPMed 0.00009; gnomAD 0.00011; ESP Exome Variant Server 0.00015; 1000 Genomes Project 30x 0.00016; 1000 Genomes Project 0.00020.

Submissions (3):

Labcorp Genetics (formerly Invitae), Labcorp
Classification: Uncertain significance. Last evaluated: 2025-09-10. Review status: criteria provided, single submitter. Criteria: Invitae Variant Classification Sherloc (09022015). Collection method: clinical testing. Allele origin: germline.
Comment: This sequence change replaces alanine, which is neutral and non-polar, with valine, which is neutral and non-polar, at codon 181 of the SIPA1L3 protein (p.Ala181Val). This variant is present in population databases (rs201601967, gnomAD 0.02%). This variant has not been reported in the literature in individuals affected with SIPA1L3-related conditions. ClinVar contains an entry for this variant (Variation ID: 2068612). An algorithm developed to predict the effect of missense changes on protein structure and function outputs the following: PolyPhen-2: "Benign". The valine amino acid residue is found in multiple mammalian species, which suggests that this missense change does not adversely affect protein function. In summary, the available evidence is currently insufficient to determine the role of this variant in disease. Therefore, it has been classified as a Variant of Uncertain Significance.

CeGaT Center for Human Genetics Tuebingen
Classification: Uncertain significance. Last evaluated: 2023-07-01. Review status: criteria provided, single submitter. Criteria: CeGaT Center For Human Genetics Tuebingen Variant Classification Criteria Version 2. Collection method: clinical testing. Allele origin: germline. Affected: yes. Observed: 1 variant allele.
Comment: SIPA1L3: PM2

Ambry Genetics
Classification: Likely benign. Last evaluated: 2022-01-26. Review status: criteria provided, single submitter. Criteria: Ambry Variant Classification Scheme 2023. Collection method: clinical testing. Allele origin: germline.